The following is an entry in ClinVar:

ClinVar aggregate classification (germline): Uncertain significance. Review status: criteria provided, multiple submitters, no conflicts (2 of 4 stars). 2 submissions from 2 submitters: Uncertain significance (2). Last evaluated 2025-03-25.

Conditions:
EGFR-related lung cancer (EGFR). Identifiers: MedGen CN130014.
Hereditary cancer-predisposing syndrome. Also called: Hereditary neoplastic syndrome; Neoplastic Syndromes, Hereditary; Hereditary Cancer Syndrome; Tumor predisposition. Identifiers: Orphanet 140162, MedGen C0027672, MeSH D009386, MONDO:0015356.

Submissions (6):

Ambry Genetics
Classification: Uncertain significance for Hereditary cancer-predisposing syndrome. Last evaluated: 2025-03-25. Review status: criteria provided, single submitter. Criteria: Ambry Variant Classification Scheme 2023. Collection method: clinical testing. Allele origin: germline.
Comment: The p.N158K variant (also known as c.474C>G), located in coding exon 4 of the EGFR gene, results from a C to G substitution at nucleotide position 474. The asparagine at codon 158 is replaced by lysine, an amino acid with similar properties. This amino acid position is not well conserved in available vertebrate species. In addition, this alteration is predicted to be tolerated by in silico analysis. Based on the available evidence, the clinical significance of this variant remains unclear.

Labcorp Genetics (formerly Invitae), Labcorp
Classification: Uncertain significance for EGFR-related lung cancer. Last evaluated: 2024-08-15. Review status: criteria provided, single submitter. Criteria: Invitae Variant Classification Sherloc (09022015). Collection method: clinical testing. Allele origin: germline.
Comment: This sequence change replaces asparagine, which is neutral and polar, with lysine, which is basic and polar, at codon 158 of the EGFR protein (p.Asn158Lys). This variant is not present in population databases (gnomAD no frequency). This variant has not been reported in the literature in individuals affected with EGFR-related conditions. ClinVar contains an entry for this variant (Variation ID: 1717846). An algorithm developed to predict the effect of missense changes on protein structure and function (PolyPhen-2) suggests that this variant is likely to be disruptive. In summary, the available evidence is currently insufficient to determine the role of this variant in disease. Therefore, it has been classified as a Variant of Uncertain Significance.

Dr. Peter K. Rogan Lab, Western University
No classification provided (evidence only). Condition: Thyroid cancer, nonmedullary, 1. Review status: no classification provided. Collection method: in vitro. Allele origin: not applicable. Functional consequence: retained intron. Not counted in ClinVar's aggregate classification.

Dr. Peter K. Rogan Lab, Western University
No classification provided (evidence only). Condition: Nonpapillary renal cell carcinoma. Review status: no classification provided. Collection method: in vitro. Allele origin: not applicable. Functional consequence: retained intron. Not counted in ClinVar's aggregate classification.

Dr. Peter K. Rogan Lab, Western University
No classification provided (evidence only). Condition: Ovarian serous cystadenocarcinoma. Review status: no classification provided. Collection method: in vitro. Allele origin: not applicable. Functional consequence: retained intron. Not counted in ClinVar's aggregate classification.

Dr. Peter K. Rogan Lab, Western University
No classification provided (evidence only). Condition: Ovarian serous cystadenocarcinoma. Review status: no classification provided. Collection method: in vitro. Allele origin: not applicable. Functional consequence: retained intron. Not counted in ClinVar's aggregate classification.

NM_005228.5(EGFR):c.474C>G (p.Asn158Lys)

Gene: EGFR (epidermal growth factor receptor; plus strand). Cytogenetic location: 7p11.2.
Variant type: single nucleotide variant.
Coding change: c.474C>G on transcript NM_005228.5 (MANE Select); coding-DNA position 474, C replaced by G.
Protein change: p.Asn158Lys; replaces asparagine 158 with lysine.
Molecular consequence: missense variant. On other transcripts: intron variant (3).
Genome position (GRCh38, 1-based): chr7:55,146,655, C>G. VCF-style: chr7-55146655-C-G. GRCh37 (hg19) VCF-style: chr7-55214348-C-G.
Other names: c.474C>G, p.Asn158Lys (NM_001346898.2, NM_201282.2, NM_201283.2 and 1 more transcripts); c.315C>G, p.Asn105Lys (NM_001346900.2); c.424+3167C>G (NM_001346899.2, NM_001346897.2); c.89-9175C>G (NM_001346941.2); short protein forms N105K, N158K.
Identifiers: ClinVar variation 1717846 (VCV001717846.7), dbSNP rs2072454, ClinGen allele CA367576564.
Genomic context (GRCh38, chr7:55,146,655, plus strand): 5'-TTCTCCCGCAGAAATCCTGCATGGCGCCGTGCGGTTCAGCAACAACCCTGCCCTGTGCAA[C>G]GTGGAGAGCATCCAGTGGCGGGACATAGTCAGCAGTGACTTTCTCAGCAACATGTCGATG-3'
Protein context (NP_005219.2, residues 148-168): VRFSNNPALC[Asn158Lys]VESIQWRDIV